The following is an entry in ClinVar:

ClinVar aggregate classification (germline): Pathogenic (1 of 4 stars; one submission).

Conditions:
Colorectal cancer, hereditary nonpolyposis, type 7. Identifiers: Orphanet 144, MedGen C1858380, MONDO:0013725, OMIM 614385.

Submission:

Myriad Genetics, Inc.
Classification: Pathogenic for Colorectal cancer, hereditary nonpolyposis, type 7. Last evaluated: 2025-11-26. Review status: criteria provided, single submitter. Criteria: Myriad Autosomal Dominant, Autosomal Recessive and X-Linked Classification Criteria (2023). Collection method: clinical testing. Allele origin: unknown.
Comment: This variant is considered pathogenic. This variant creates a frameshift predicted to result in premature protein truncation.

NM_001040108.2(MLH3):c.1701del (p.Phe567fs)

Gene: MLH3 (mutL homolog 3; minus strand). Cytogenetic location: 14q24.3.
Variant type: Deletion.
Coding change: c.1701del on transcript NM_001040108.2 (MANE Select); coding-DNA position 1701, one base deleted (T; older notation c.1701delT).
Protein change: p.Phe567fs; shifts the reading frame from phenylalanine 567.
Molecular consequence: frameshift variant.
Genome position (GRCh38, 1-based): chr14:75,047,955, A deleted on the plus strand (T on the coding strand, the reverse complement: MLH3 is on the minus strand); the first of 4 consecutive A bases (chr14:75,047,955-75,047,958); deleting any one gives the same sequence. VCF-style (leftmost placement, unchanged base first): chr14-75047954-CA-C. GRCh37 (hg19) VCF-style: chr14-75514657-CA-C.
Other names: c.1701del, p.Phe567fs (NM_014381.3); short protein forms F567fs.
Identifiers: ClinVar variation 4812998 (VCV004812998.1).